The following is an entry in ClinVar:

ClinVar aggregate classification (germline): Likely benign (1 of 4 stars; one submission).

Allele frequency attached by ClinVar (database versions not stated): 1000 Genomes Project 30x 0.00921; 1000 Genomes Project 0.00958; gnomAD 0.02029 and 0.02105; gnomAD exomes 0.02069; ExAC 0.02089; TOPMed 0.02274; ESP Exome Variant Server 0.02522.
gnomAD v4.1: 47,381 of 1,613,796 alleles (2.9%); highest among the groups gnomAD compares: Non-Finnish European, 3.6%; 819 homozygotes.

Submission:

GeneDx
Classification: Likely benign. Last evaluated: 2018-06-16. Review status: criteria provided, single submitter. Criteria: GeneDx Variant Classification (06012015). Collection method: clinical testing. Allele origin: germline. Affected: yes.
Comment: This variant is considered likely benign or benign based on one or more of the following criteria: it is a conservative change, it occurs at a poorly conserved position in the protein, it is predicted to be benign by multiple in silico algorithms, and/or has population frequency not consistent with disease.

NM_004863.4(SPTLC2):c.1440-30T>G

Gene: SPTLC2 (serine palmitoyltransferase long chain base subunit 2; minus strand). Cytogenetic location: 14q24.3.
Variant type: single nucleotide variant.
Coding change: c.1440-30T>G on transcript NM_004863.4 (MANE Select); 30 bases into the intron before coding-DNA position 1440, T replaced by G.
Molecular consequence: intron variant.
Genome position (GRCh38, 1-based): chr14:77,518,197, A>C on the plus strand (T>G on the coding strand, the complement: SPTLC2 is on the minus strand). VCF-style: chr14-77518197-A-C. GRCh37 (hg19) VCF-style: chr14-77984540-A-C.
Identifiers: ClinVar variation 674225 (VCV000674225.1), dbSNP rs140089337, ClinGen allele CA7289155.